The following is an entry in ClinVar:

ClinVar aggregate classification (germline): Uncertain significance (1 of 4 stars; one submission).

Conditions:
Fanconi anemia (FA). Also called: Fanconi's anemia. Identifiers: Orphanet 84, MedGen C0015625, MeSH D005199, MONDO:0019391.

Allele frequency attached by ClinVar (database versions not stated): gnomAD exomes below 0.00001.

Submission:

Labcorp Genetics (formerly Invitae), Labcorp
Classification: Uncertain significance for Fanconi anemia. Last evaluated: 2022-12-31. Review status: criteria provided, single submitter. Criteria: Invitae Variant Classification Sherloc (09022015). Collection method: clinical testing. Allele origin: germline.
Comment: This variant has not been reported in the literature in individuals affected with FANCI-related conditions. This sequence change replaces alanine, which is neutral and non-polar, with threonine, which is neutral and polar, at codon 956 of the FANCI protein (p.Ala956Thr). This variant is not present in population databases (gnomAD no frequency). Advanced modeling of protein sequence and biophysical properties (such as structural, functional, and spatial information, amino acid conservation, physicochemical variation, residue mobility, and thermodynamic stability) performed at Invitae indicates that this missense variant is not expected to disrupt FANCI protein function. In summary, the available evidence is currently insufficient to determine the role of this variant in disease. Therefore, it has been classified as a Variant of Uncertain Significance.

NM_001113378.2(FANCI):c.2866G>A (p.Ala956Thr)

Gene: FANCI (FA complementation group I; plus strand). Cytogenetic location: 15q26.1.
Variant type: single nucleotide variant.
Coding change: c.2866G>A on transcript NM_001113378.2 (MANE Select); coding-DNA position 2866, G replaced by A.
Protein change: p.Ala956Thr; replaces alanine 956 with threonine.
Molecular consequence: missense variant.
Genome position (GRCh38, 1-based): chr15:89,300,362, G>A. VCF-style: chr15-89300362-G-A. GRCh37 (hg19) VCF-style: chr15-89843593-G-A.
Other names: c.2587G>A, p.Ala863Thr (NM_001376910.1); c.2866G>A, p.Ala956Thr (NM_001376911.1); c.2686G>A, p.Ala896Thr (NM_018193.3); short protein forms A956T, A863T, A896T.
Identifiers: ClinVar variation 2825593 (VCV002825593.3), dbSNP rs1400436177, ClinGen allele CA393737496.